The following is an entry in ClinVar:

NM_000553.6(WRN):c.1094A>G (p.Asn365Ser)

Gene: WRN (WRN RecQ like helicase; plus strand). Cytogenetic location: 8p12.
Variant type: single nucleotide variant.
Coding change: c.1094A>G on transcript NM_000553.6 (MANE Select); coding-DNA position 1094, A replaced by G.
Protein change: p.Asn365Ser; replaces asparagine 365 with serine.
Molecular consequence: missense variant.
Genome position (GRCh38, 1-based): chr8:31,081,121, A>G. VCF-style: chr8-31081121-A-G. GRCh37 (hg19) VCF-style: chr8-30938637-A-G.
Other names: short protein forms N365S.
Identifiers: ClinVar variation 2169690 (VCV002169690.4), dbSNP rs1294727964, ClinGen allele CA370920669.

ClinVar aggregate classification (germline): Uncertain significance (1 of 4 stars; one submission).

Conditions:
Werner syndrome (WRN). Identifiers: Orphanet 902, MedGen C0043119, MONDO:0010196, OMIM 277700.

Allele frequency attached by ClinVar (database versions not stated): gnomAD exomes 0.00001.

Submission:

Labcorp Genetics (formerly Invitae), Labcorp
Classification: Uncertain significance for Werner syndrome. Last evaluated: 2023-01-28. Review status: criteria provided, single submitter. Criteria: Invitae Variant Classification Sherloc (09022015). Collection method: clinical testing. Allele origin: germline.
Comment: This sequence change replaces asparagine, which is neutral and polar, with serine, which is neutral and polar, at codon 365 of the WRN protein (p.Asn365Ser). In summary, the available evidence is currently insufficient to determine the role of this variant in disease. Therefore, it has been classified as a Variant of Uncertain Significance. An algorithm developed to predict the effect of missense changes on protein structure and function (PolyPhen-2) suggests that this variant is likely to be tolerated. This variant has not been reported in the literature in individuals affected with WRN-related conditions. This variant is present in population databases (no rsID available, gnomAD 0.009%).